The following is an entry in ClinVar:

ClinVar aggregate classification (germline): Benign. Review status: criteria provided, multiple submitters, no conflicts (2 of 4 stars). 4 submissions from 4 submitters: Benign (4). Last evaluated 2026-02-04.

Allele frequency attached by ClinVar (database versions not stated): TOPMed 0.05745; ESP Exome Variant Server 0.06259; gnomAD 0.06554; 1000 Genomes Project 30x 0.07074; 1000 Genomes Project 0.07228.
gnomAD v4.1: 101,714 of 1,592,638 alleles (6.4%); highest among the groups gnomAD compares: South Asian, 10%; 3,552 homozygotes.

Submissions (4):

Labcorp Genetics (formerly Invitae), Labcorp
Classification: Benign. Last evaluated: 2026-02-04. Review status: criteria provided, single submitter. Criteria: Invitae Variant Classification Sherloc (09022015). Collection method: clinical testing. Allele origin: germline.

Mayo Clinic Laboratories, Mayo Clinic
Classification: Benign. Last evaluated: 2021-12-12. Review status: criteria provided, single submitter. Criteria: ACMG Guidelines, 2015. Collection method: clinical testing. Allele origin: germline. Observed: 9 variant alleles.

GeneDx
Classification: Benign. Last evaluated: 2018-06-19. Review status: criteria provided, single submitter. Criteria: GeneDx Variant Classification (06012015). Collection method: clinical testing. Allele origin: germline. Affected: yes.
Comment: This variant is considered likely benign or benign based on one or more of the following criteria: it is a conservative change, it occurs at a poorly conserved position in the protein, it is predicted to be benign by multiple in silico algorithms, and/or has population frequency not consistent with disease.

Breakthrough Genomics
Classification: Benign. Review status: criteria provided, single submitter. Criteria: ACMG Guidelines, 2015. Collection method: not provided. Allele origin: germline. Inheritance: Autosomal recessive inheritance. Affected: yes.

NM_152906.7(TANGO2):c.145+14C>T

Gene: TANGO2 (transport and golgi organization 2 homolog; plus strand). Cytogenetic location: 22q11.21.
Variant type: single nucleotide variant.
Coding change: c.145+14C>T on transcript NM_152906.7 (MANE Select); 14 bases into the intron after coding-DNA position 145, C replaced by T.
Molecular consequence: intron variant.
Genome position (GRCh38, 1-based): chr22:20,043,457, C>T. VCF-style: chr22-20043457-C-T. GRCh37 (hg19) VCF-style: chr22-20030980-C-T.
Other names: p.?; c.145+14C>T (NM_001283106.3, NM_001322163.2, NM_001283179.3 and 10 more transcripts); c.-35+14C>T (NM_001322174.2, NM_001322172.2, NM_001322160.2 and 9 more transcripts); c.268+14C>T (NM_001322143.2, NM_001322145.2, NM_001322141.2 and 5 more transcripts).
Identifiers: ClinVar variation 682107 (VCV000682107.12), dbSNP rs446388, ClinGen allele CA10106206.